The following is an entry in ClinVar:

ClinVar aggregate classification (germline): Uncertain significance (1 of 4 stars; one submission).

Conditions:
Werner syndrome (WRN). Identifiers: Orphanet 902, MedGen C0043119, MONDO:0010196, OMIM 277700.

Submission:

Labcorp Genetics (formerly Invitae), Labcorp
Classification: Uncertain significance for Werner syndrome. Last evaluated: 2019-09-07. Review status: criteria provided, single submitter. Criteria: Invitae Variant Classification Sherloc (09022015). Collection method: clinical testing. Allele origin: germline.
Comment: This sequence change replaces tryptophan with leucine at codon 957 of the WRN protein (p.Trp957Leu). The tryptophan residue is weakly conserved and there is a small physicochemical difference between tryptophan and leucine. This variant is not present in population databases (ExAC no frequency). This variant has not been reported in the literature in individuals with WRN-related conditions. Algorithms developed to predict the effect of missense changes on protein structure and function (SIFT, PolyPhen-2, Align-GVGD) all suggest that this variant is likely to be tolerated, but these predictions have not been confirmed by published functional studies and their clinical significance is uncertain. In summary, the available evidence is currently insufficient to determine the role of this variant in disease. Therefore, it has been classified as a Variant of Uncertain Significance.

NM_000553.6(WRN):c.2870G>T (p.Trp957Leu)

Gene: WRN (WRN RecQ like helicase; plus strand). Cytogenetic location: 8p12.
Variant type: single nucleotide variant.
Coding change: c.2870G>T on transcript NM_000553.6 (MANE Select); coding-DNA position 2870, G replaced by T.
Protein change: p.Trp957Leu; replaces tryptophan 957 with leucine.
Molecular consequence: missense variant.
Genome position (GRCh38, 1-based): chr8:31,132,409, G>T. VCF-style: chr8-31132409-G-T. GRCh37 (hg19) VCF-style: chr8-30989925-G-T.
Other names: short protein forms W957L.
Identifiers: ClinVar variation 963105 (VCV000963105.5), dbSNP rs1802215643, ClinGen allele CA370918938.
Genomic context (GRCh38, chr8:31,132,409, plus strand): 5'-TATTATTTTTATTTAGATTGGATCATTGCTATTCCATGGATGACTCAGAGGATACATCCT[G>T]GGACTTTGGTCCACAAGCATTTAAGCTTTTGTCTGCTGTGGACATCTTAGGCGAAAAATT-3'
Protein context (NP_000544.2, residues 947-967): YSMDDSEDTS[Trp957Leu]DFGPQAFKLL